The following is an entry in ClinVar:

ClinVar aggregate classification (germline): Uncertain significance (1 of 4 stars; one submission).

Submission:

Labcorp Genetics (formerly Invitae), Labcorp
Classification: Uncertain significance. Last evaluated: 2021-08-12. Review status: criteria provided, single submitter. Criteria: Invitae Variant Classification Sherloc (09022015). Collection method: clinical testing. Allele origin: germline.
Comment: This sequence change replaces glutamic acid with valine at codon 2607 of the ADGRV1 protein (p.Glu2607Val). The glutamic acid residue is weakly conserved and there is a moderate physicochemical difference between glutamic acid and valine. This variant is not present in population databases (ExAC no frequency). This variant has not been reported in the literature in individuals affected with ADGRV1-related conditions. Algorithms developed to predict the effect of missense changes on protein structure and function are either unavailable or do not agree on the potential impact of this missense change (SIFT: "Tolerated"; PolyPhen-2: "Probably Damaging"; Align-GVGD: "Class C0"). In summary, the available evidence is currently insufficient to determine the role of this variant in disease. Therefore, it has been classified as a Variant of Uncertain Significance.

NM_032119.4(ADGRV1):c.7820A>T (p.Glu2607Val)

Gene: ADGRV1 (adhesion G protein-coupled receptor V1; plus strand). Cytogenetic location: 5q14.3.
Variant type: single nucleotide variant.
Coding change: c.7820A>T on transcript NM_032119.4 (MANE Select); coding-DNA position 7820, A replaced by T.
Protein change: p.Glu2607Val; replaces glutamic acid 2607 with valine.
Molecular consequence: missense variant. On other transcripts: non-coding transcript variant (1).
Genome position (GRCh38, 1-based): chr5:90,694,576, A>T. VCF-style: chr5-90694576-A-T. GRCh37 (hg19) VCF-style: chr5-89990393-A-T.
Other names: short protein forms E2607V.
Identifiers: ClinVar variation 1512145 (VCV001512145.6), dbSNP rs2149644274, ClinGen allele CA360381698.